The following is an entry in ClinVar:

NM_138348.6(OTULIN):c.980G>A (p.Trp327Ter)

Gene: OTULIN (OTU deubiquitinase with linear linkage specificity; plus strand). Cytogenetic location: 5p15.2.
Variant type: single nucleotide variant.
Coding change: c.980G>A on transcript NM_138348.6 (MANE Select); coding-DNA position 980, G replaced by A.
Protein change: p.Trp327Ter; replaces tryptophan 327 with a stop codon.
Molecular consequence: nonsense.
Genome position (GRCh38, 1-based): chr5:14,692,969, G>A. VCF-style: chr5-14692969-G-A. GRCh37 (hg19) VCF-style: chr5-14693078-G-A.
Other names: short protein forms W327*.
Identifiers: ClinVar variation 4725088 (VCV004725088.1).
Genomic context (GRCh38, chr5:14,692,969, plus strand): 5'-TCTCCAAGTACAACACGGAAGAATTCATCACAGTCTACCCCACCGACCCACCCAAGGACT[G>A]GCCAGTGGTAACGCTCATTGCTGAGGACGATCGGCACTATAACATCCCCGTCAGAGTGTG-3'

ClinVar aggregate classification (germline): Uncertain significance (1 of 4 stars; one submission).

Submission:

Labcorp Genetics (formerly Invitae), Labcorp
Classification: Uncertain significance. Last evaluated: 2025-10-16. Review status: criteria provided, single submitter. Criteria: Invitae Variant Classification Sherloc (09022015). Collection method: clinical testing. Allele origin: germline.
Comment: This sequence change creates a premature translational stop signal (p.Trp327*) in the OTULIN gene. While this is not anticipated to result in nonsense mediated decay, it is expected to disrupt the last 26 amino acid(s) of the OTULIN protein. This variant is not present in population databases (gnomAD no frequency). This variant has not been reported in the literature in individuals affected with OTULIN-related conditions. Experimental studies and prediction algorithms are not available or were not evaluated, and the functional significance of this variant is currently unknown. In summary, the available evidence is currently insufficient to determine the role of this variant in disease. Therefore, it has been classified as a Variant of Uncertain Significance.